The following is an entry in ClinVar:

ClinVar aggregate classification (germline): Uncertain significance (1 of 4 stars; one submission).

Conditions:
Cystic fibrosis (CF). Also called: MUCOVISCIDOSIS. Identifiers: Orphanet 586, MedGen C0010674, MONDO:0009061, OMIM 219700. Disease mechanism: loss of function.

Allele frequency attached by ClinVar (database versions not stated): gnomAD exomes below 0.00001.
gnomAD v4.1: 1 of 1,613,496 alleles (0.000062%); highest among the groups gnomAD compares: South Asian, 0.0011%; no homozygotes.

Submission:

Ambry Genetics
Classification: Uncertain significance for Cystic fibrosis. Last evaluated: 2025-04-06. Review status: criteria provided, single submitter. Criteria: Ambry Variant Classification Scheme 2023. Collection method: clinical testing. Allele origin: germline.
Comment: The p.L1242F variant (also known as c.3724C>T), located in coding exon 23 of the CFTR gene, results from a C to T substitution at nucleotide position 3724. The leucine at codon 1242 is replaced by phenylalanine, an amino acid with highly similar properties. This amino acid position is conserved. In addition, this alteration is predicted to be deleterious by in silico analysis. Since supporting evidence is limited at this time, the clinical significance of this alteration remains unclear.

NM_000492.4(CFTR):c.3724C>T (p.Leu1242Phe)

Genes: CFTR (CF transmembrane conductance regulator; plus strand), CFTR-AS2 (CFTR antisense RNA 2; minus strand). Cytogenetic location: 7q31.2.
Variant type: single nucleotide variant.
Coding change: c.3724C>T on transcript NM_000492.4 (MANE Select); coding-DNA position 3724, C replaced by T.
Protein change: p.Leu1242Phe; replaces leucine 1242 with phenylalanine.
Molecular consequence: missense variant.
Genome position (GRCh38, 1-based): chr7:117,642,444, C>T. VCF-style: chr7-117642444-C-T. GRCh37 (hg19) VCF-style: chr7-117282498-C-T.
Other names: short protein forms L1242F.
Identifiers: ClinVar variation 2453656 (VCV002453656.3), dbSNP rs1431039536, ClinGen allele CA368974429.
Genomic context (GRCh38, chr7:117,642,444, plus strand): 5'-TATGGCATGGTACCTATATGTCACAGAAGTGATCCCATCACTTTTACCTTATAGGTGGGC[C>T]TCTTGGGAAGAACTGGATCAGGGAAGAGTACTTTGTTATCAGCTTTTTTGAGACTACTGA-3'
Protein context (NP_000483.3, residues 1232-1252): FSISPGQRVG[Leu1242Phe]LGRTGSGKST